The following is an entry in ClinVar:

ClinVar aggregate classification (germline): Conflicting classifications of pathogenicity. Review status: criteria provided, conflicting classifications (1 of 4 stars). 4 submissions from 4 submitters: Uncertain significance (2); Benign (1); Likely benign (1). Last evaluated 2025-12-01.

Conditions:
Congenital contractural arachnodactyly (CCA). Also called: BEALS SYNDROME; Beals-Hecht syndrome; Arthrogryposis, distal, type 9. Identifiers: Orphanet 115, MedGen C0220668, MONDO:0007363, OMIM 121050.
Familial thoracic aortic aneurysm and aortic dissection (TAAD). Also called: Thoracic aortic aneurysms and dissections. Identifiers: Orphanet 91387, MedGen C4707243, MONDO:0019625.

Allele frequency attached by ClinVar (database versions not stated): gnomAD 0.00003; TOPMed 0.00004; gnomAD exomes 0.00005; ExAC 0.00011.
gnomAD v4.1: 78 of 1,613,934 alleles (0.0048%); highest among the groups gnomAD compares: Non-Finnish European, 0.0064%; no homozygotes.

Submissions (4):

Labcorp Genetics (formerly Invitae), Labcorp
Classification: Benign for Congenital contractural arachnodactyly. Last evaluated: 2025-12-01. Review status: criteria provided, single submitter. Criteria: Invitae Variant Classification Sherloc (09022015). Collection method: clinical testing. Allele origin: germline.

Blueprint Genetics
Classification: Likely benign. Last evaluated: 2022-08-09. Review status: criteria provided, single submitter. Criteria: ACMG Guidelines, 2015. Collection method: clinical testing. Allele origin: germline.

GeneDx
Classification: Uncertain significance. Last evaluated: 2022-04-01. Review status: criteria provided, single submitter. Criteria: GeneDx Variant Classification Process June 2021. Collection method: clinical testing. Allele origin: germline. Affected: yes.
Comment: Has not been previously published as pathogenic or benign to our knowledge; In silico analysis supports that this missense variant does not alter protein structure/function; Does not affect a cysteine residue within a calcium-binding EGF-like domain of the FBN2 gene; cysteine substitutions in the calcium-binding EGF-like domains represent the majority of pathogenic missense changes associated with FBN2-related disorders (Frederic et al., 2009).; This variant is associated with the following publications: (PMID: 27535533)

Ambry Genetics
Classification: Uncertain significance for Familial thoracic aortic aneurysm and aortic dissection. Last evaluated: 2020-04-06. Review status: criteria provided, single submitter. Criteria: Ambry Variant Classification Scheme 2023. Collection method: clinical testing. Allele origin: germline.
Comment: The p.E2882Q variant (also known as c.8644G>C), located in coding exon 65 of the FBN2 gene, results from a G to C substitution at nucleotide position 8644. The glutamic acid at codon 2882 is replaced by glutamine, an amino acid with highly similar properties. This amino acid position is well conserved in available vertebrate species. In addition, this alteration is predicted to be tolerated by in silico analysis. Since supporting evidence is limited at this time, the clinical significance of this alteration remains unclear.

NM_001999.4(FBN2):c.8644G>C (p.Glu2882Gln)

Gene: FBN2 (fibrillin 2; minus strand). Cytogenetic location: 5q23.3.
Variant type: single nucleotide variant.
Coding change: c.8644G>C on transcript NM_001999.4 (MANE Select); coding-DNA position 8644, G replaced by C.
Protein change: p.Glu2882Gln; replaces glutamic acid 2882 with glutamine.
Molecular consequence: missense variant.
Genome position (GRCh38, 1-based): chr5:128,259,550, C>G on the plus strand (G>C on the coding strand, the complement: FBN2 is on the minus strand). VCF-style: chr5-128259550-C-G. GRCh37 (hg19) VCF-style: chr5-127595242-C-G.
Other names: short protein forms E2882Q.
Identifiers: ClinVar variation 213430 (VCV000213430.15), dbSNP rs765693576, ClinGen allele CA325081.
Genomic context (GRCh38, chr5:128,259,550, plus strand): 5'-CCTCCCCAAGCTCCCCTAGGAGGTAGTCATCCTCATTGCTCTCTTCCAGTTTCTTAAGCT[C>G]CTTCTTCTTGTAGAGAGGGATGCTAGTGATTTCCAGTGTGTATGTGCCGGGCATGAGCTT-3'
Protein context (NP_001990.2, residues 2872-2892): ITSIPLYKKK[Glu2882Gln]LKKLEESNED